The following is an entry in ClinVar:

NM_000057.4(BLM):c.2475G>A (p.Pro825=)

Gene: BLM (BLM RecQ like helicase; plus strand). Cytogenetic location: 15q26.1.
Variant type: single nucleotide variant.
Coding change: c.2475G>A on transcript NM_000057.4 (MANE Select); coding-DNA position 2475, G replaced by A.
Protein change: p.Pro825=; no amino-acid change (proline 825 retained).
Molecular consequence: synonymous variant.
Genome position (GRCh38, 1-based): chr15:90,769,506, G>A. VCF-style: chr15-90769506-G-A. GRCh37 (hg19) VCF-style: chr15-91312736-G-A.
Other names: p.P825P:CCG>CCA; c.2475G>A, p.Pro825= (NM_001287246.2, NM_001287247.2); c.1350G>A, p.Pro450= (NM_001287248.2).
Identifiers: ClinVar variation 127487 (VCV000127487.22), dbSNP rs147587050, ClinGen allele CA287077.

ClinVar aggregate classification (germline): Conflicting classifications of pathogenicity. Review status: criteria provided, conflicting classifications (1 of 4 stars). 7 submissions from 7 submitters: Uncertain significance (4); Likely benign (3). Last evaluated 2026-09-01.

Conditions:
Hereditary cancer-predisposing syndrome. Also called: Neoplastic Syndromes, Hereditary; Hereditary Cancer Syndrome; Tumor predisposition; Hereditary neoplastic syndrome. Identifiers: Orphanet 140162, MedGen C0027672, MeSH D009386, MONDO:0015356.
Bloom syndrome (BLM). Also called: Bloom-Torre-Machacek syndrome. Identifiers: Orphanet 125, MedGen C0005859, MONDO:0008876, OMIM 210900.

Allele frequency attached by ClinVar (database versions not stated): TOPMed 0.00005; gnomAD 0.00006; ESP Exome Variant Server 0.00038.
gnomAD v4.1: 31 of 1,613,762 alleles (0.0019%); highest among the groups gnomAD compares: African/African-American, 0.0053%; no homozygotes.

Submissions (7):

CeGaT Center for Human Genetics Tuebingen
Classification: Likely benign. Last evaluated: 2026-09-01. Review status: criteria provided, single submitter. Criteria: CeGaT Center For Human Genetics Tuebingen Variant Classification Criteria Version 2. Collection method: clinical testing. Allele origin: germline. Affected: yes. Observed: 1 variant allele.
Comment: BLM: BP4, BP7

Labcorp Genetics (formerly Invitae), Labcorp
Classification: Likely benign for Bloom syndrome. Last evaluated: 2026-01-28. Review status: criteria provided, single submitter. Criteria: Invitae Variant Classification Sherloc (09022015). Collection method: clinical testing. Allele origin: germline.

Quest Diagnostics Nichols Institute San Juan Capistrano
Classification: Uncertain significance. Last evaluated: 2021-08-26. Review status: criteria provided, single submitter. Criteria: Quest Diagnostics criteria. Collection method: clinical testing. Allele origin: unknown.

Ambry Genetics
Classification: Likely benign for Hereditary cancer-predisposing syndrome. Last evaluated: 2019-07-17. Review status: criteria provided, single submitter. Criteria: Ambry Variant Classification Scheme 2023. Collection method: clinical testing. Allele origin: germline.

Mendelics
Classification: Uncertain significance for Bloom syndrome. Last evaluated: 2018-07-02. Review status: criteria provided, single submitter. Criteria: Mendelics Assertion Criteria 2017. Collection method: clinical testing. Allele origin: unknown.

Illumina Laboratory Services, Illumina
Classification: Uncertain significance for Bloom syndrome. Last evaluated: 2018-01-12. Review status: criteria provided, single submitter. Criteria: ICSL Variant Classification Criteria 13 December 2019. Collection method: clinical testing. Allele origin: germline.

GeneDx
Classification: Uncertain significance. Last evaluated: 2013-10-14. Review status: criteria provided, single submitter. Criteria: GeneDx Variant Classification (06012015). Collection method: clinical testing. Allele origin: germline. Affected: yes.
Comment: The BLM 2475G>A nucleotide substitution is silent at the coding level (Pro825Pro), but is predicted by multiple in silico programs to create a new cryptic splice site. This variant has not, to our knowledge, been published in the literature as a mutation or as a benign polymorphism and has not been observed at significant allele frequency in the NHLBI ESP Exome Variant Server. Based on the current information, we cannot predict whether this variant is a benign polymorphism or a pathogenic mutation. The variant is found in BR-OV-HEREDIC panel(s).